The following is an entry in ClinVar:

NM_005263.5(GFI1):c.201_221dup (p.Arg67_Asp73dup)

Gene: GFI1 (growth factor independent 1 transcriptional repressor; minus strand). Cytogenetic location: 1p22.1.
Variant type: Duplication.
Coding change: c.201_221dup on transcript NM_005263.5 (MANE Select); coding-DNA positions 201 to 221, 21 bases duplicated (AGCCTCCGCATCCCCAGACAG).
Protein change: p.Arg67_Asp73dup.
Molecular consequence: inframe insertion.
Genome position (GRCh38, 1-based): chr1:92,482,941-92,482,961, CTGTCTGGGGATGCGGAGGCT duplicated on the plus strand (AGCCTCCGCATCCCCAGACAG on the coding strand, the reverse complement: GFI1 is on the minus strand); duplicating any 21 consecutive bases within chr1:92,482,941-92,482,971 gives the same sequence; the c. name uses the placement nearest the transcript's 3' end. VCF-style (leftmost placement, unchanged base first): chr1-92482940-G-GCTGTCTGGGGATGCGGAGGCT. GRCh37 (hg19) VCF-style: chr1-92948497-G-GCTGTCTGGGGATGCGGAGGCT.
Other names: c.201_221dup, p.Arg67_Asp73dup (NM_001127215.3, NM_001127216.3); c.201_221dup (NM_005263.3).
Identifiers: ClinVar variation 1350265 (VCV001350265.10), dbSNP rs759646696, ClinGen allele CA951459.

ClinVar aggregate classification (germline): Conflicting classifications of pathogenicity. Review status: criteria provided, conflicting classifications (1 of 4 stars). 3 submissions from 3 submitters: Uncertain significance (2); Likely benign (1). Last evaluated 2025-12-03.

Conditions:
Neutropenia, severe congenital, 2, autosomal dominant. Identifiers: Orphanet 486, MedGen C2751288, MONDO:0013139, OMIM 613107.

Submissions (3):

Labcorp Genetics (formerly Invitae), Labcorp
Classification: Uncertain significance for Neutropenia, severe congenital, 2, autosomal dominant. Last evaluated: 2025-12-03. Review status: criteria provided, single submitter. Criteria: Invitae Variant Classification Sherloc (09022015). Collection method: clinical testing. Allele origin: germline.
Comment: This variant, c.201_221dup, results in the insertion of 7 amino acid(s) of the GFI1 protein (p.Arg67_Asp73dup), but otherwise preserves the integrity of the reading frame. This variant is present in population databases (rs759646696, gnomAD 0.07%), and has an allele count higher than expected for a pathogenic variant. This variant has not been reported in the literature in individuals affected with GFI1-related conditions. ClinVar contains an entry for this variant (Variation ID: 1350265). In summary, the available evidence is currently insufficient to determine the role of this variant in disease. Therefore, it has been classified as a Variant of Uncertain Significance.

GeneDx
Classification: Uncertain significance. Last evaluated: 2024-02-21. Review status: criteria provided, single submitter. Criteria: GeneDx Variant Classification Process June 2021. Collection method: clinical testing. Allele origin: germline. Affected: yes.
Comment: In-frame insertion of 7 amino acids in a non-repeat region; Has not been previously published as pathogenic or benign to our knowledge

Blueprint Genetics
Classification: Likely benign. Last evaluated: 2022-07-07. Review status: criteria provided, single submitter. Criteria: ACMG Guidelines, 2015. Collection method: clinical testing. Allele origin: germline.